The following is an entry in ClinVar:

ClinVar aggregate classification (germline): Pathogenic (1 of 4 stars; one submission).

Conditions:
Hereditary breast ovarian cancer syndrome. Also called: Hereditary breast and ovarian cancer; Breast and ovarian cancer; BRCA1- and BRCA2-Associated Hereditary Breast and Ovarian Cancer; Hereditary breast and/or ovarian cancer syndrome; Hereditary breast and ovarian cancer syndrome; Hereditary breast and ovarian cancer syndrome (HBOC). Identifiers: Orphanet 145, MedGen C0677776, MeSH D061325, MONDO:0003582. Disease mechanism: loss of function.

Submission:

Labcorp Genetics (formerly Invitae), Labcorp
Classification: Pathogenic for Hereditary breast ovarian cancer syndrome. Last evaluated: 2021-01-07. Review status: criteria provided, single submitter. Criteria: Invitae Variant Classification Sherloc (09022015). Collection method: clinical testing. Allele origin: germline.
Comment: Algorithms developed to predict the effect of sequence changes on RNA splicing suggest that this variant may disrupt the consensus splice site, but this prediction has not been confirmed by published transcriptional studies. For these reasons, this variant has been classified as Pathogenic. Variants at this splice site have been observed in individual(s) with Fanconi anemia (Invitae). In at least one individual the data is consistent with a variant at this splice site being in trans (on the opposite chromosome) from a pathogenic variant. This variant is not present in population databases (ExAC no frequency). This sequence change affects an acceptor splice site in intron 10 of the BRCA2 gene. It is expected to disrupt RNA splicing. Variants that disrupt the donor or acceptor splice site typically lead to a loss of protein function (PMID: 16199547), and loss-of-function variants in BRCA2 are known to be pathogenic (PMID: 20104584).

Literature cited by the submitters: PubMed 16199547; PubMed 20104584.

NM_000059.4(BRCA2):c.1910-2A>G

Gene: BRCA2 (BRCA2 DNA repair associated; plus strand). Cytogenetic location: 13q13.1.
Variant type: single nucleotide variant.
Coding change: c.1910-2A>G on transcript NM_000059.4 (MANE Select); the canonical splice acceptor site of the intron before coding-DNA position 1910, A replaced by G.
Molecular consequence: splice acceptor variant. On other transcripts: intron variant (2).
Genome position (GRCh38, 1-based): chr13:32,336,263, A>G. VCF-style: chr13-32336263-A-G. GRCh37 (hg19) VCF-style: chr13-32910400-A-G.
Other names: c.1910-2A>G (NM_001406720.1, NM_001406719.1); c.1909+2876A>G (NM_001406721.1); c.424+5233A>G (NM_001406722.1).
Identifiers: ClinVar variation 1457333 (VCV001457333.8), dbSNP rs1228762581, ClinGen allele CA387768192.